The following is an entry in ClinVar:

NM_130839.5(UBE3A):c.1067G>A (p.Arg356Gln)

Genes: SNHG14 (small nucleolar RNA host gene 14; plus strand), UBE3A (ubiquitin protein ligase E3A; minus strand). Cytogenetic location: 15q11.2.
Variant type: single nucleotide variant.
Coding change: c.1067G>A on transcript NM_130839.5 (MANE Select); coding-DNA position 1067, G replaced by A.
Protein change: p.Arg356Gln; replaces arginine 356 with glutamine.
Molecular consequence: missense variant. On other transcripts: non-coding transcript variant (1), intron variant (2).
Genome position (GRCh38, 1-based): chr15:25,371,107, C>T on the plus strand (G>A on the coding strand, the complement: UBE3A is on the minus strand). VCF-style: chr15-25371107-C-T. GRCh37 (hg19) VCF-style: chr15-25616254-C-T.
Other names: c.1076G>A, p.Arg359Gln (NM_000462.5); c.1067G>A, p.Arg356Gln (NM_001354505.1, NM_001354538.2, NM_001354545.2); c.1007G>A, p.Arg336Gln (NM_001354506.2, NM_001354507.2, NM_001354508.2 and 17 more transcripts); c.890G>A, p.Arg297Gln (NM_001354546.2); c.301+4358G>A (NM_001354551.2); c.361+4358G>A (NM_001354550.2); short protein forms R297Q, R359Q, R356Q, R336Q.
Identifiers: ClinVar variation 858207 (VCV000858207.10), dbSNP rs780050034, ClinGen allele CA7435565.

ClinVar aggregate classification (germline): Uncertain significance. Review status: criteria provided, multiple submitters, no conflicts (2 of 4 stars). 2 submissions from 2 submitters: Uncertain significance (2). Last evaluated 2026-02-24.

Conditions:
Inborn genetic diseases. Identifiers: MedGen C0950123, MeSH D030342.
Angelman syndrome (AS). Also called: HAPPY PUPPET SYNDROME. Identifiers: Orphanet 72, MedGen C0162635, MONDO:0007113, OMIM 105830. Disease mechanism: loss of function. Inheritance: imprinting disorder, AS is caused by disruption of maternally imprinted UBE3A located within the 15q11.2-q13 Angelman syndrome/Prader-Willi syndrome (AS/PWS) region..

Allele frequency attached by ClinVar (database versions not stated): gnomAD exomes below 0.00001; ExAC 0.00001; TOPMed 0.00001; gnomAD 0.00002.
gnomAD v4.1: 14 of 1,613,922 alleles (0.00087%); highest among the groups gnomAD compares: Non-Finnish European, 0.0011%; no homozygotes.

Submissions (2):

Ambry Genetics
Classification: Uncertain significance for Inborn genetic diseases. Last evaluated: 2026-02-24. Review status: criteria provided, single submitter. Criteria: Ambry Variant Classification Scheme 2023. Collection method: clinical testing. Allele origin: germline.
Comment: The c.1007G>A (p.R336Q) alteration is located in exon 3 (coding exon 3) of the UBE3A gene. This alteration results from a G to A substitution at nucleotide position 1007, causing the arginine (R) at amino acid position 336 to be replaced by a glutamine (Q). Based on data from gnomAD, the A allele has an overall frequency of <0.001% (1/251258) total alleles studied. The highest observed frequency was 0.001% (1/113640) of European (non-Finnish) alleles. Based on insufficient or conflicting evidence, the clinical significance of this alteration remains unclear.

Labcorp Genetics (formerly Invitae), Labcorp
Classification: Uncertain significance for Angelman syndrome. Last evaluated: 2023-06-20. Review status: criteria provided, single submitter. Criteria: Invitae Variant Classification Sherloc (09022015). Collection method: clinical testing. Allele origin: germline.
Comment: In summary, the available evidence is currently insufficient to determine the role of this variant in disease. Therefore, it has been classified as a Variant of Uncertain Significance. Advanced modeling of protein sequence and biophysical properties (such as structural, functional, and spatial information, amino acid conservation, physicochemical variation, residue mobility, and thermodynamic stability) performed at Invitae indicates that this missense variant is not expected to disrupt UBE3A protein function. ClinVar contains an entry for this variant (Variation ID: 858207). This variant has not been reported in the literature in individuals affected with UBE3A-related conditions. This variant is not present in population databases (gnomAD no frequency). This sequence change replaces arginine, which is basic and polar, with glutamine, which is neutral and polar, at codon 336 of the UBE3A protein (p.Arg336Gln).